The following is an entry in ClinVar:

NM_000051.4(ATM):c.7663C>G (p.His2555Asp)

Genes: ATM (ATM serine/threonine kinase; plus strand), C11orf65 (chromosome 11 open reading frame 65; minus strand). Cytogenetic location: 11q22.3.
Variant type: single nucleotide variant.
Coding change: c.7663C>G on transcript NM_000051.4 (MANE Select); coding-DNA position 7663, C replaced by G.
Protein change: p.His2555Asp; replaces histidine 2555 with aspartic acid.
Molecular consequence: missense variant. On other transcripts: intron variant (2).
Genome position (GRCh38, 1-based): chr11:108,331,912, C>G. VCF-style: chr11-108331912-C-G. GRCh37 (hg19) VCF-style: chr11-108202639-C-G.
Other names: c.7663C>G, p.His2555Asp (NM_001351834.2); c.641-22841G>C (NM_001330368.2); c.*38+3308G>C (NM_001351110.2); short protein forms H2555D.
Identifiers: ClinVar variation 3965826 (VCV003965826.1).

ClinVar aggregate classification (germline): Uncertain significance (1 of 4 stars; one submission).

Conditions:
Hereditary cancer-predisposing syndrome. Also called: Neoplastic Syndromes, Hereditary; Tumor predisposition; Hereditary Cancer Syndrome; Hereditary neoplastic syndrome. Identifiers: Orphanet 140162, MedGen C0027672, MeSH D009386, MONDO:0015356.

Submission:

Ambry Genetics
Classification: Uncertain significance for Hereditary cancer-predisposing syndrome. Last evaluated: 2025-04-03. Review status: criteria provided, single submitter. Criteria: Ambry Variant Classification Scheme 2023. Collection method: clinical testing. Allele origin: germline.
Comment: The p.H2555D variant (also known as c.7663C>G), located in coding exon 51 of the ATM gene, results from a C to G substitution at nucleotide position 7663. The histidine at codon 2555 is replaced by aspartic acid, an amino acid with similar properties. This amino acid position is highly conserved in available vertebrate species. In addition, this alteration is predicted to be deleterious by in silico analysis. Based on the available evidence, the clinical significance of this variant remains unclear.